The following is an entry in ClinVar:

NM_025243.4(SLC19A3):c.1382C>A (p.Thr461Asn)

Gene: SLC19A3 (solute carrier family 19 member 3; minus strand). Cytogenetic location: 2q36.3.
Variant type: single nucleotide variant.
Coding change: c.1382C>A on transcript NM_025243.4 (MANE Select); coding-DNA position 1382, C replaced by A.
Protein change: p.Thr461Asn; replaces threonine 461 with asparagine.
Molecular consequence: missense variant.
Genome position (GRCh38, 1-based): chr2:227,687,506, G>T on the plus strand (C>A on the coding strand, the complement: SLC19A3 is on the minus strand). VCF-style: chr2-227687506-G-T. GRCh37 (hg19) VCF-style: chr2-228552222-G-T.
Other names: c.1382C>A, p.Thr461Asn (NM_001371411.1, NM_001371412.1); c.1370C>A, p.Thr457Asn (NM_001371413.1, NM_001371414.1); short protein forms T461N, T457N.
Identifiers: ClinVar variation 1469374 (VCV001469374.5), dbSNP rs1695061518, ClinGen allele CA350875164.

ClinVar aggregate classification (germline): Uncertain significance (1 of 4 stars; one submission).

Conditions:
Biotin-responsive basal ganglia disease (BTBGD). Also called: Thiamine metabolism dysfunction syndrome 2 (biotin- or thiamine-responsive encephalopathy type 2); thiamine-responsive encephalopathy; Thiamine metabolism dysfunction syndrome type 2; THIAMINE METABOLISM DYSFUNCTION SYNDROME 2 (BIOTIN- AND THIAMINE-RESPONSIVE TYPE); Thiamine Transporter-2 Deficiency. Identifiers: Orphanet 199348, Orphanet 65284, MedGen C1843807, MONDO:0011841, OMIM 607483.

Allele frequency attached by ClinVar (database versions not stated): gnomAD 0.00001.

Submission:

Labcorp Genetics (formerly Invitae), Labcorp
Classification: Uncertain significance for Biotin-responsive basal ganglia disease. Last evaluated: 2021-09-24. Review status: criteria provided, single submitter. Criteria: Invitae Variant Classification Sherloc (09022015). Collection method: clinical testing. Allele origin: germline.
Comment: This sequence change replaces threonine with asparagine at codon 461 of the SLC19A3 protein (p.Thr461Asn). The threonine residue is weakly conserved and there is a small physicochemical difference between threonine and asparagine. This variant is not present in population databases (ExAC no frequency). This variant has not been reported in the literature in individuals with SLC19A3-related conditions. Advanced modeling of protein sequence and biophysical properties (such as structural, functional, and spatial information, amino acid conservation, physicochemical variation, residue mobility, and thermodynamic stability) performed at Invitae indicates that this missense variant is not expected to disrupt SLC19A3 protein function. In summary, the available evidence is currently insufficient to determine the role of this variant in disease. Therefore, it has been classified as a Variant of Uncertain Significance.